The following is an entry in ClinVar:

NM_004370.6(COL12A1):c.4565G>A (p.Arg1522His)

Gene: COL12A1 (collagen type XII alpha 1 chain; minus strand). Cytogenetic location: 6q13.
Variant type: single nucleotide variant.
Coding change: c.4565G>A on transcript NM_004370.6 (MANE Select); coding-DNA position 4565, G replaced by A.
Protein change: p.Arg1522His; replaces arginine 1522 with histidine.
Molecular consequence: missense variant.
Genome position (GRCh38, 1-based): chr6:75,145,451, C>T on the plus strand (G>A on the coding strand, the complement: COL12A1 is on the minus strand). VCF-style: chr6-75145451-C-T. GRCh37 (hg19) VCF-style: chr6-75855167-C-T.
Other names: c.1073G>A, p.Arg358His (NM_080645.3); short protein forms R1522H, R358H.
Identifiers: ClinVar variation 650258 (VCV000650258.12), dbSNP rs751419788, ClinGen allele CA3893406.

ClinVar aggregate classification (germline): Conflicting classifications of pathogenicity. Review status: criteria provided, conflicting classifications (1 of 4 stars). 3 submissions from 3 submitters: Uncertain significance (2); Likely benign (1). Last evaluated 2025-08-21.

Conditions:
Ullrich congenital muscular dystrophy 2 (UCMD2). Identifiers: Orphanet 75840, MedGen C4225314, MONDO:0014654, OMIM 616470.
Bethlem myopathy 2 (BTHLM2). Identifiers: Orphanet 536516, Orphanet 610, MedGen C4225313, MONDO:0034022, OMIM 616471.

Allele frequency attached by ClinVar (database versions not stated): gnomAD exomes 0.00002; TOPMed 0.00002; ExAC 0.00003; gnomAD 0.00003.
gnomAD v4.1: 36 of 1,613,418 alleles (0.0022%); highest among the groups gnomAD compares: South Asian, 0.0033%; no homozygotes.

Submissions (3):

Labcorp Genetics (formerly Invitae), Labcorp
Classification: Likely benign for Bethlem myopathy 2; Ullrich congenital muscular dystrophy 2. Last evaluated: 2025-08-21. Review status: criteria provided, single submitter. Criteria: Invitae Variant Classification Sherloc (09022015). Collection method: clinical testing. Allele origin: germline.

GeneDx
Classification: Uncertain significance. Last evaluated: 2022-06-16. Review status: criteria provided, single submitter. Criteria: GeneDx Variant Classification Process June 2021. Collection method: clinical testing. Allele origin: germline. Affected: yes.
Comment: Identified independently and in conjunction with additional variants in individuals referred for connective tissue disorder genetic testing at GeneDx; segregation data is limited or absent at this time; In silico analysis supports that this missense variant has a deleterious effect on protein structure/function; Has not been previously published as pathogenic or benign to our knowledge

Revvity Omics, Revvity
Classification: Uncertain significance. Last evaluated: 2019-11-06. Review status: criteria provided, single submitter. Criteria: ACMG Guidelines, 2015. Collection method: clinical testing. Allele origin: germline.